The following is an entry in ClinVar:

ClinVar aggregate classification (germline): Uncertain significance (1 of 4 stars; one submission).

gnomAD v4.1: 38 of 1,614,044 alleles (0.0024%); highest among the groups gnomAD compares: Middle Eastern, 0.049%; 1 homozygote.

Submission:

Labcorp Genetics (formerly Invitae), Labcorp
Classification: Uncertain significance. Last evaluated: 2025-12-01. Review status: criteria provided, single submitter. Criteria: Invitae Variant Classification Sherloc (09022015). Collection method: clinical testing. Allele origin: germline.
Comment: This sequence change replaces threonine, which is neutral and polar, with methionine, which is neutral and non-polar, at codon 1627 of the SZT2 protein (p.Thr1627Met). This variant is present in population databases (rs768665345, gnomAD 0.003%). This variant has not been reported in the literature in individuals affected with SZT2-related conditions. Invitae Evidence Modeling of protein sequence and biophysical properties (such as structural, functional, and spatial information, amino acid conservation, physicochemical variation, residue mobility, and thermodynamic stability) indicates that this missense variant is not expected to disrupt SZT2 protein function with a negative predictive value of 80%. In summary, the available evidence is currently insufficient to determine the role of this variant in disease. Therefore, it has been classified as a Variant of Uncertain Significance.

NM_001365999.1(SZT2):c.5051C>T (p.Thr1684Met)

Gene: SZT2 (SZT2 subunit of KICSTOR complex; plus strand). Cytogenetic location: 1p34.2.
Variant type: single nucleotide variant.
Coding change: c.5051C>T on transcript NM_001365999.1 (MANE Select); coding-DNA position 5051, C replaced by T.
Protein change: p.Thr1684Met; replaces threonine 1684 with methionine.
Molecular consequence: missense variant.
Genome position (GRCh38, 1-based): chr1:43,431,486, C>T. VCF-style: chr1-43431486-C-T. GRCh37 (hg19) VCF-style: chr1-43897157-C-T.
Other names: c.4880C>T, p.Thr1627Met (NM_015284.4); short protein forms T1684M, T1627M.
Identifiers: ClinVar variation 4740212 (VCV004740212.1).